The following is an entry in ClinVar:

ClinVar aggregate classification (germline): Uncertain significance (1 of 4 stars; one submission).

Submission:

GeneDx
Classification: Uncertain significance. Last evaluated: 2025-07-30. Review status: criteria provided, single submitter. Criteria: GeneDx Variant Classification Process June 2021. Collection method: clinical testing. Allele origin: germline. Affected: yes.
Comment: Not observed at significant frequency in large population cohorts (gnomAD); In silico analysis supports that this missense variant has a deleterious effect on protein structure/function; Has not been previously published as pathogenic or benign to our knowledge

NM_020117.11(LARS1):c.1135A>G (p.Thr379Ala)

Gene: LARS1 (leucyl-tRNA synthetase 1; minus strand). Cytogenetic location: 5q32.
Variant type: single nucleotide variant.
Coding change: c.1135A>G on transcript NM_020117.11 (MANE Select); coding-DNA position 1135, A replaced by G.
Protein change: p.Thr379Ala; replaces threonine 379 with alanine.
Molecular consequence: missense variant.
Genome position (GRCh38, 1-based): chr5:146,153,911, T>C on the plus strand (A>G on the coding strand, the complement: LARS1 is on the minus strand). VCF-style: chr5-146153911-T-C. GRCh37 (hg19) VCF-style: chr5-145533474-T-C.
Other names: c.997A>G, p.Thr333Ala (NM_001317964.2); c.973A>G, p.Thr325Ala (NM_001317965.2); c.1054A>G, p.Thr352Ala (NM_016460.4); short protein forms T325A, T333A, T352A, T379A.
Identifiers: ClinVar variation 4690098 (VCV004690098.1).